The following is an entry in ClinVar:

NM_000297.4(PKD2):c.1094+1del

Gene: PKD2 (polycystin 2, transient receptor potential cation channel; plus strand). Cytogenetic location: 4q22.1.
Variant type: Deletion.
Coding change: c.1094+1del on transcript NM_000297.4 (MANE Select); the canonical splice donor site of the intron after coding-DNA position 1094, one base deleted (G; older notation c.1094+1delG).
Molecular consequence: splice donor variant.
Genome position (GRCh38, 1-based): chr4:88,038,502, G deleted. VCF-style (leftmost placement, unchanged base first): chr4-88038501-CG-C. GRCh37 (hg19) VCF-style: chr4-88959653-CG-C.
Other names: c.1094+1delG (NM_000297.3).
Identifiers: ClinVar variation 1699919 (VCV001699919.2), dbSNP rs2110107353, ClinGen allele CA2580071864.

ClinVar aggregate classification (germline): Pathogenic/Likely pathogenic. Review status: criteria provided, multiple submitters, no conflicts (2 of 4 stars). 2 submissions from 2 submitters: Pathogenic (1); Likely pathogenic (1). Last evaluated 2025-09-29.

Conditions:
Polycystic kidney disease 2 (PKD2). Also called: POLYCYSTIC KIDNEY DISEASE 2 WITH OR WITHOUT POLYCYSTIC LIVER DISEASE; POLYCYSTIC KIDNEY DISEASE, ADULT, TYPE II; Polycystic Kidney Disease 2, Autosomal Dominant. Identifiers: MedGen C2751306, MONDO:0013131, OMIM 613095.
PKD2-related disorder. Also called: PKD2-related condition.

Submissions (2):

PreventionGenetics, part of Exact Sciences
Classification: Pathogenic for PKD2-related condition. Last evaluated: 2025-09-29. Review status: criteria provided, single submitter. Criteria: ACMG Guidelines, 2015. Collection method: clinical testing. Allele origin: germline.
Comment: The PKD2 c.1094+1delG variant is predicted to result in a deletion affecting a canonical splice site. This variant was reported in an individual with autosomal dominant polycystic kidney disease (ADPKD) (Xu et al. 2021. PubMed ID: 34101167). This variant has not been reported in a large population database (gnomAD), indicating this variant is rare. Variants that disrupt the consensus splice donor site in PKD2 are expected to be pathogenic. This variant is interpreted as pathogenic.

(GEEPAD) Grupo de Estudio de la Enfermedad Poliquística Autosómica Dominante, Hospitales Universitarios Virgen de las Nieves y San Cecilio (Granada)
Classification: Likely pathogenic for Polycystic kidney disease 2. Last evaluated: 2022-08-03. Review status: criteria provided, single submitter. Criteria: ACMG Guidelines, 2015. Collection method: clinical testing. Allele origin: germline. Affected: yes. Observed: 1 variant allele.